The following is an entry in ClinVar:

ClinVar aggregate classification (germline): Conflicting classifications of pathogenicity. Review status: criteria provided, conflicting classifications (1 of 4 stars). 2 submissions from 2 submitters: Uncertain significance (1); Likely benign (1). Last evaluated 2025-06-14.

Conditions:
Inborn genetic diseases. Identifiers: MedGen C0950123, MeSH D030342.
Polyglandular autoimmune syndrome, type 1 (APS1). Also called: AUTOIMMUNE POLYENDOCRINE SYNDROME, TYPE I, WITH OR WITHOUT REVERSIBLE METAPHYSEAL DYSPLASIA; APS I; HYPOADRENOCORTICISM WITH HYPOPARATHYROIDISM AND SUPERFICIAL MONILIASIS; PGA I; Autoimmune polyendocrine syndrome type 1; Autoimmune polyendocrinopathy syndrome, type I. Identifiers: Orphanet 3453, MedGen C0085859, MONDO:0009411, OMIM 240300.

gnomAD v4.1: 2 of 1,611,836 alleles (0.00012%); highest among the groups gnomAD compares: Non-Finnish European, 0.00017%; no homozygotes.

Submissions (2):

Labcorp Genetics (formerly Invitae), Labcorp
Classification: Uncertain significance for Polyglandular autoimmune syndrome, type 1. Last evaluated: 2025-06-14. Review status: criteria provided, single submitter. Criteria: Invitae Variant Classification Sherloc (09022015). Collection method: clinical testing. Allele origin: germline.
Comment: This sequence change replaces aspartic acid, which is acidic and polar, with glutamic acid, which is acidic and polar, at codon 288 of the AIRE protein (p.Asp288Glu). This variant is not present in population databases (gnomAD no frequency). This variant has not been reported in the literature in individuals affected with AIRE-related conditions. ClinVar contains an entry for this variant (Variation ID: 3513141). Invitae Evidence Modeling of protein sequence and biophysical properties (such as structural, functional, and spatial information, amino acid conservation, physicochemical variation, residue mobility, and thermodynamic stability) indicates that this missense variant is not expected to disrupt AIRE protein function with a negative predictive value of 95%. In summary, the available evidence is currently insufficient to determine the role of this variant in disease. Therefore, it has been classified as a Variant of Uncertain Significance.

Ambry Genetics
Classification: Likely benign for Inborn genetic diseases. Last evaluated: 2024-07-05. Review status: criteria provided, single submitter. Criteria: Ambry Variant Classification Scheme 2023. Collection method: clinical testing. Allele origin: germline.

NM_000383.4(AIRE):c.864C>A (p.Asp288Glu)

Gene: AIRE (autoimmune regulator; plus strand). Cytogenetic location: 21q22.3.
Variant type: single nucleotide variant.
Coding change: c.864C>A on transcript NM_000383.4 (MANE Select); coding-DNA position 864, C replaced by A.
Protein change: p.Asp288Glu; replaces aspartic acid 288 with glutamic acid.
Molecular consequence: missense variant.
Genome position (GRCh38, 1-based): chr21:44,290,053, C>A. VCF-style: chr21-44290053-C-A. GRCh37 (hg19) VCF-style: chr21-45709936-C-A.
Other names: short protein forms D288E.
Identifiers: ClinVar variation 3513141 (VCV003513141.2).